The following is an entry in ClinVar:

NM_031935.3(HMCN1):c.2854C>T (p.Leu952Phe)

Gene: HMCN1 (hemicentin 1; plus strand). Cytogenetic location: 1q31.1.
Variant type: single nucleotide variant.
Coding change: c.2854C>T on transcript NM_031935.3 (MANE Select); coding-DNA position 2854, C replaced by T.
Protein change: p.Leu952Phe; replaces leucine 952 with phenylalanine.
Molecular consequence: missense variant.
Genome position (GRCh38, 1-based): chr1:185,984,232, C>T. VCF-style: chr1-185984232-C-T. GRCh37 (hg19) VCF-style: chr1-185953364-C-T.
Other names: short protein forms L952F.
Identifiers: ClinVar variation 4727120 (VCV004727120.1).

ClinVar aggregate classification (germline): Uncertain significance (1 of 4 stars; one submission).

gnomAD v4.1: 1 of 1,613,308 alleles (0.000062%); highest among the groups gnomAD compares: Non-Finnish European, 0.000085%; no homozygotes.

Submission:

Labcorp Genetics (formerly Invitae), Labcorp
Classification: Uncertain significance. Last evaluated: 2025-09-19. Review status: criteria provided, single submitter. Criteria: Invitae Variant Classification Sherloc (09022015). Collection method: clinical testing. Allele origin: germline.
Comment: This sequence change replaces leucine, which is neutral and non-polar, with phenylalanine, which is neutral and non-polar, at codon 952 of the HMCN1 protein (p.Leu952Phe). This variant is not present in population databases (gnomAD no frequency). This variant has not been reported in the literature in individuals affected with HMCN1-related conditions. An algorithm developed to predict the effect of missense changes on protein structure and function (PolyPhen-2) suggests that this variant is likely to be disruptive. In summary, the available evidence is currently insufficient to determine the role of this variant in disease. Therefore, it has been classified as a Variant of Uncertain Significance.